The following is an entry in ClinVar:

NM_000492.4(CFTR):c.3065T>G (p.Val1022Gly)

Genes: CFTR (CF transmembrane conductance regulator; plus strand), CFTR-AS2 (CFTR antisense RNA 2; minus strand), LOC111674472 (DNase I hypersensitive sites in introns 16 and 17a of CFTR; plus strand). Cytogenetic location: 7q31.2.
Variant type: single nucleotide variant.
Coding change: c.3065T>G on transcript NM_000492.4 (MANE Select); coding-DNA position 3065, T replaced by G.
Protein change: p.Val1022Gly; replaces valine 1022 with glycine.
Molecular consequence: missense variant.
Genome position (GRCh38, 1-based): chr7:117,610,595, T>G. VCF-style: chr7-117610595-T-G. GRCh37 (hg19) VCF-style: chr7-117250649-T-G.
Other names: short protein forms V1022G.
Identifiers: ClinVar variation 2567884 (VCV002567884.2), dbSNP rs2485129044, ClinGen allele CA368990693.
Genomic context (GRCh38, chr7:117,610,595, plus strand): 5'-TTGGAGCTATAGCAGTTGTCGCAGTTTTACAACCCTACATCTTTGTTGCAACAGTGCCAG[T>G]GATAGTGGCTTTTATTATGTTGAGAGCATATTTCCTCCAAACCTCACAGCAACTCAAACA-3'
Protein context (NP_000483.3, residues 1012-1032): QPYIFVATVP[Val1022Gly]IVAFIMLRAY

ClinVar aggregate classification (germline): Uncertain significance (1 of 4 stars; one submission).

Conditions:
Cystic fibrosis (CF). Also called: MUCOVISCIDOSIS. Identifiers: Orphanet 586, MedGen C0010674, MONDO:0009061, OMIM 219700. Disease mechanism: loss of function.

Submission:

Ambry Genetics
Classification: Uncertain significance for Cystic fibrosis. Last evaluated: 2023-05-07. Review status: criteria provided, single submitter. Criteria: Ambry Variant Classification Scheme 2023. Collection method: clinical testing. Allele origin: germline.
Comment: The p.V1022G variant (also known as c.3065T>G), located in coding exon 19 of the CFTR gene, results from a T to G substitution at nucleotide position 3065. The valine at codon 1022 is replaced by glycine, an amino acid with dissimilar properties. This amino acid position is conserved. In addition, the in silico prediction for this alteration is inconclusive. Since supporting evidence is limited at this time, the clinical significance of this alteration remains unclear.